The following is an entry in ClinVar:

ClinVar aggregate classification (germline): Benign. Review status: criteria provided, multiple submitters, no conflicts (2 of 4 stars). 3 submissions from 3 submitters: Benign (2). 1 of the submissions does not count toward it. Last evaluated 2025-06-10.

Conditions:
PIKFYVE-related disorder. Also called: PIKFYVE-related condition.
Fleck corneal dystrophy (CFD). Also called: CORNEAL DYSTROPHY, FRANCOIS-NEETENS SPECKLED OR FLECKED. Identifiers: Orphanet 98970, MedGen C1562113, MONDO:0007376, OMIM 121850.

Allele frequency attached by ClinVar (database versions not stated): gnomAD exomes 0.00025 and 0.00052; gnomAD 0.00034 and 0.00036; TOPMed 0.00036; ESP Exome Variant Server 0.00038; ExAC 0.00039.
gnomAD v4.1: 460 of 1,613,736 alleles (0.029%); highest among the groups gnomAD compares: Middle Eastern, 0.016%; no homozygotes.

Submissions (3):

Labcorp Genetics (formerly Invitae), Labcorp
Classification: Benign. Last evaluated: 2025-06-10. Review status: criteria provided, single submitter. Criteria: Invitae Variant Classification Sherloc (09022015). Collection method: clinical testing. Allele origin: germline.

Illumina Laboratory Services, Illumina
Classification: Benign for Fleck corneal dystrophy. Last evaluated: 2018-01-13. Review status: criteria provided, single submitter. Criteria: ICSL Variant Classification Criteria 13 December 2019. Collection method: clinical testing. Allele origin: germline.
Comment: This variant was observed in the ICSL laboratory as part of a predisposition screen in an ostensibly healthy population. It had not been previously curated by ICSL or reported in the Human Gene Mutation Database (HGMD: prior to June 1st, 2018), and was therefore a candidate for classification through an automated scoring system. Utilizing variant allele frequency, disease prevalence and penetrance estimates, and inheritance mode, an automated score was calculated to assess if this variant is too frequent to cause the disease. Based on the score and internal cut-off values, a variant classified as benign is not then subjected to further curation. The score for this variant resulted in a classification of benign for this disease.

PreventionGenetics, part of Exact Sciences
Classification: Benign for PIKFYVE-related condition. Last evaluated: 2019-05-28. Review status: no assertion criteria provided. Collection method: clinical testing. Allele origin: germline. Not counted in ClinVar's aggregate classification.
Comment: This variant is classified as benign based on ACMG/AMP sequence variant interpretation guidelines (Richards et al. 2015 PMID: 25741868, with internal and published modifications).

NM_015040.4(PIKFYVE):c.3354A>G (p.Gly1118=)

Gene: PIKFYVE (phosphoinositide kinase, FYVE-type zinc finger containing; plus strand). Cytogenetic location: 2q34.
Variant type: single nucleotide variant.
Coding change: c.3354A>G on transcript NM_015040.4 (MANE Select); coding-DNA position 3354, A replaced by G.
Protein change: p.Gly1118=; no amino-acid change (glycine 1118 retained).
Molecular consequence: synonymous variant.
Genome position (GRCh38, 1-based): chr2:208,326,165, A>G. VCF-style: chr2-208326165-A-G. GRCh37 (hg19) VCF-style: chr2-209190889-A-G.
Identifiers: ClinVar variation 333915 (VCV000333915.8), dbSNP rs149005796, ClinGen allele CA2080025.
Genomic context (GRCh38, chr2:208,326,165, plus strand): 5'-GGAGAACAGGAGGAAGAAACAGCTGCTCAGGGATCTCTCTGGACTTCAGGGCATGAATGG[A>G]AGTATTCAGGCCAAGTCTATTCAAGTCTTACCCTCACATGAGCTAGTGAGCACTAGAATT-3'
Protein context (NP_055855.2, residues 1108-1128): RDLSGLQGMN[Gly1118=]SIQAKSIQVL